The following is an entry in ClinVar:

NM_003072.5(SMARCA4):c.3869T>C (p.Leu1290Pro)

Gene: SMARCA4 (SWI/SNF related BAF chromatin remodeling complex subunit ATPase 4; plus strand). Cytogenetic location: 19p13.2.
Variant type: single nucleotide variant.
Coding change: c.3869T>C on transcript NM_003072.5 (MANE Select); coding-DNA position 3869, T replaced by C.
Protein change: p.Leu1290Pro; replaces leucine 1290 with proline.
Molecular consequence: missense variant. On other transcripts: intron variant (6).
Genome position (GRCh38, 1-based): chr19:11,033,861, T>C. VCF-style: chr19-11033861-T-C. GRCh37 (hg19) VCF-style: chr19-11144537-T-C.
Other names: c.3869T>C, p.Leu1290Pro (NM_001128844.3, NM_001128849.3, NM_001387283.1); c.3775-262T>C (NM_001128847.4, NM_001411150.1, NM_001374457.1 and 3 more transcripts); short protein forms L1290P.
Identifiers: ClinVar variation 2447207 (VCV002447207.2), dbSNP rs2515306737, ClinGen allele CA404066866.

ClinVar aggregate classification (germline): Uncertain significance (1 of 4 stars; one submission).

Conditions:
Hereditary cancer-predisposing syndrome. Also called: Neoplastic Syndromes, Hereditary; Hereditary Cancer Syndrome; Tumor predisposition; Hereditary neoplastic syndrome. Identifiers: Orphanet 140162, MedGen C0027672, MeSH D009386, MONDO:0015356.

Submission:

Ambry Genetics
Classification: Uncertain significance for Hereditary cancer-predisposing syndrome. Last evaluated: 2022-11-10. Review status: criteria provided, single submitter. Criteria: Ambry Variant Classification Scheme 2023. Collection method: clinical testing. Allele origin: germline.
Comment: The p.L1290P variant (also known as c.3869T>C), located in coding exon 26 of the SMARCA4 gene, results from a T to C substitution at nucleotide position 3869. The leucine at codon 1290 is replaced by proline, an amino acid with similar properties. This amino acid position is highly conserved in available vertebrate species. In addition, the in silico prediction for this alteration is inconclusive. Missense and in-frame variants in SMARCA4 are known to cause neurodevelopmental disorders; however, such associations with rhabdoid tumor predisposition syndrome including small cell carcinoma of the ovary-hypercalcemic type (SCCOHT) are exceedingly rare (Kosho T et al. Am J Med Genet C Semin Med Genet. 2014 Sep;166C(3):262-75; Jelinic P et al. Nat Genet. 2014 May;46(5):424-6). Based on the supporting evidence, the association of this alteration with Coffin-Siris syndrome is unknown; however, the association of this alteration with rhabdoid tumor predisposition syndrome is unlikely.